The following is an entry in ClinVar:

NM_014639.4(SKIC3):c.2858A>C (p.Gln953Pro)

Gene: SKIC3 (SKI3 subunit of superkiller complex; minus strand). Cytogenetic location: 5q15.
Variant type: single nucleotide variant.
Coding change: c.2858A>C on transcript NM_014639.4 (MANE Select); coding-DNA position 2858, A replaced by C.
Protein change: p.Gln953Pro; replaces glutamine 953 with proline.
Molecular consequence: missense variant.
Genome position (GRCh38, 1-based): chr5:95,512,539, T>G on the plus strand (A>C on the coding strand, the complement: SKIC3 is on the minus strand). VCF-style: chr5-95512539-T-G. GRCh37 (hg19) VCF-style: chr5-94848243-T-G.
Other names: short protein forms Q953P.
Identifiers: ClinVar variation 3633253 (VCV003633253.2).
Genomic context (GRCh38, chr5:95,512,539, plus strand): 5'-ACATATTTATTCAAAATAACTTGTGCTGCTGGAATAGCATTCATCTGGAGGATGTTGTAC[T>G]GGTACAGCTCTGTTTCTCTGTTGCTTTTATCTTGCAATGTTGTGCAGACCCAATACGCAT-3'
Protein context (NP_055454.1, residues 943-963): DKSNRETELY[Gln953Pro]YNILQMNAIP

ClinVar aggregate classification (germline): Uncertain significance (1 of 4 stars; one submission).

Submission:

Labcorp Genetics (formerly Invitae), Labcorp
Classification: Uncertain significance. Last evaluated: 2024-02-03. Review status: criteria provided, single submitter. Criteria: Invitae Variant Classification Sherloc (09022015). Collection method: clinical testing. Allele origin: germline.
Comment: This sequence change replaces glutamine, which is neutral and polar, with proline, which is neutral and non-polar, at codon 953 of the TTC37 protein (p.Gln953Pro). This variant is not present in population databases (gnomAD no frequency). This variant has not been reported in the literature in individuals affected with TTC37-related conditions. An algorithm developed to predict the effect of missense changes on protein structure and function (PolyPhen-2) suggests that this variant is likely to be tolerated. In summary, the available evidence is currently insufficient to determine the role of this variant in disease. Therefore, it has been classified as a Variant of Uncertain Significance.